The following is an entry in ClinVar:

ClinVar aggregate classification (germline): Uncertain significance (1 of 4 stars; one submission).

Conditions:
Hereditary cancer-predisposing syndrome. Also called: Tumor predisposition; Hereditary Cancer Syndrome; Neoplastic Syndromes, Hereditary; Hereditary neoplastic syndrome. Identifiers: Orphanet 140162, MedGen C0027672, MeSH D009386, MONDO:0015356.

Submission:

Ambry Genetics
Classification: Uncertain significance for Hereditary cancer-predisposing syndrome. Last evaluated: 2026-02-05. Review status: criteria provided, single submitter. Criteria: Ambry Variant Classification Scheme 2023. Collection method: clinical testing. Allele origin: germline.
Comment: The c.3276-5C>G intronic variant results from a C to G substitution 5 nucleotides upstream from coding exon 27 in the POLE gene. This nucleotide position is not well conserved in available vertebrate species. In silico splice site analysis predicts that this alteration may weaken the native splice acceptor site and will result in the creation or strengthening of a novel splice acceptor site. Based on the available evidence, the clinical significance of this variant remains unclear.

NM_006231.4(POLE):c.3276-5C>G

Gene: POLE (DNA polymerase epsilon, catalytic subunit; minus strand). Cytogenetic location: 12q24.33.
Variant type: single nucleotide variant.
Coding change: c.3276-5C>G on transcript NM_006231.4 (MANE Select); 5 bases into the intron before coding-DNA position 3276, C replaced by G.
Molecular consequence: intron variant.
Genome position (GRCh38, 1-based): chr12:132,657,975, G>C on the plus strand (C>G on the coding strand, the complement: POLE is on the minus strand). VCF-style: chr12-132657975-G-C. GRCh37 (hg19) VCF-style: chr12-133234561-G-C.
Identifiers: ClinVar variation 484556 (VCV000484556.6), dbSNP rs1293099867, ClinGen allele CA658658191.